The following is an entry in ClinVar:

NM_001035.3(RYR2):c.14733G>A (p.Gln4911=)

Gene: RYR2 (ryanodine receptor 2; plus strand). Cytogenetic location: 1q43.
Variant type: single nucleotide variant.
Coding change: c.14733G>A on transcript NM_001035.3 (MANE Select); coding-DNA position 14733, G replaced by A.
Protein change: p.Gln4911=; no amino-acid change (glutamine 4911 retained).
Molecular consequence: synonymous variant.
Genome position (GRCh38, 1-based): chr1:237,830,607, G>A. VCF-style: chr1-237830607-G-A. GRCh37 (hg19) VCF-style: chr1-237993907-G-A.
Other names: c.14733G>A, p.Gln4911= (LRG_402t1).
Identifiers: ClinVar variation 220649 (VCV000220649.17), dbSNP rs751453181, ClinGen allele CA085723.

ClinVar aggregate classification (germline): Benign/Likely benign. Review status: criteria provided, multiple submitters, no conflicts (2 of 4 stars). 5 submissions from 5 submitters: Benign (1); Likely benign (4). Last evaluated 2025-04-24.

Conditions:
Cardiovascular phenotype. Identifiers: MedGen CN230736.
Catecholaminergic polymorphic ventricular tachycardia (CVPT). Also called: Catecholamine-induced polymorphic ventricular tachycardia. Identifiers: Orphanet 3286, MedGen C5574922, MONDO:0017990.
Cardiomyopathy (CMYO). Also called: Cardiomyopathies. Identifiers: Orphanet 167848, MedGen C0878544, MONDO:0004994, HP:0001638. Inheritance: Various modes of inheritance.
Catecholaminergic polymorphic ventricular tachycardia 1. Also called: VENTRICULAR TACHYCARDIA, STRESS-INDUCED POLYMORPHIC 1; VENTRICULAR TACHYCARDIA, CATECHOLAMINERGIC POLYMORPHIC, 1, WITH OR WITHOUT ATRIAL DYSFUNCTION AND/OR DILATED CARDIOMYOPATHY; RYR2-Related Catecholaminergic Polymorphic Ventricular Tachycardia. Identifiers: Orphanet 3286, MedGen C1631597, MONDO:0011484, OMIM 604772.

Allele frequency attached by ClinVar (database versions not stated): gnomAD 0.00001; gnomAD exomes 0.00001 and 0.00006; TOPMed 0.00002; ExAC 0.00008.
gnomAD v4.1: 12 of 1,604,858 alleles (0.00075%); highest among the groups gnomAD compares: East Asian, 0.027%; no homozygotes.

Submissions (5):

Ambry Genetics
Classification: Likely benign for Cardiovascular phenotype. Last evaluated: 2025-04-24. Review status: criteria provided, single submitter. Criteria: Ambry Variant Classification Scheme 2023. Collection method: clinical testing. Allele origin: germline.

Labcorp Genetics (formerly Invitae), Labcorp
Classification: Likely benign for Catecholaminergic polymorphic ventricular tachycardia 1. Last evaluated: 2024-09-30. Review status: criteria provided, single submitter. Criteria: Invitae Variant Classification Sherloc (09022015). Collection method: clinical testing. Allele origin: germline.

Women's Health and Genetics/Laboratory Corporation of America, LabCorp
Classification: Benign. Last evaluated: 2024-04-23. Review status: criteria provided, single submitter. Criteria: LabCorp Variant Classification Summary - May 2015. Collection method: clinical testing. Allele origin: germline.

All of Us Research Program, National Institutes of Health
Classification: Likely benign for Catecholaminergic polymorphic ventricular tachycardia. Last evaluated: 2023-11-30. Review status: criteria provided, single submitter. Criteria: ACMG Guidelines, 2015. Collection method: clinical testing. Allele origin: germline. Inheritance: Autosomal dominant inheritance. Observed: 2 variant alleles, 2 heterozygotes.
Comment: This study involves interpretation of variants in research participants for the purpose of population health screening. Participant phenotype was not available at the time of variant classification. Additional details can be found in publication PMID: 35346344, PMCID: PMC8962531

Color Diagnostics, LLC DBA Color Health
Classification: Likely benign for Cardiomyopathy. Last evaluated: 2019-02-16. Review status: criteria provided, single submitter. Criteria: ACMG Guidelines, 2015. Collection method: clinical testing. Allele origin: germline.